The following is an entry in ClinVar:

NC_000004.11:g.(106967838_107016638)_(107092428_107114765)del

Gene: TBCK (TBC1 domain containing kinase; minus strand). Cytogenetic location: 4q24.
Variant type: Deletion.
Identifiers: ClinVar variation 3233645 (VCV003233645.2).

ClinVar aggregate classification (germline): Uncertain significance (1 of 4 stars; one submission).

Submission:

Women's Health and Genetics/Laboratory Corporation of America, LabCorp
Classification: Uncertain significance. Last evaluated: 2024-03-05. Review status: criteria provided, single submitter. Criteria: LabCorp Variant Classification Summary - May 2015. Collection method: clinical testing. Allele origin: germline.
Comment: Variant summary: The variant involves the deletion of exons 23-25 in the TBCK gene. A presumed nomenclature of c.(2059+1_2060-1)_(2571+1_2572-1)del has been designated for the purposes of this classification. This Copy Number Variant (CNV) is expected to alter the reading frame downstream of the deleted region, however as it encompasses the penultimate exon, it is predicted to escape nonsense mediated decay (NMD). The variant was absent in 21694 control chromosomes in the gnomAD database (Structural Variants v2.1 dataset). To our knowledge, no occurrence of c.(2059+1_2060-1)_(2571+1_2572-1)del in individuals affected with Hypotonia, Infantile, With Psychomotor Retardation And Characteristic Facies 3 and no experimental evidence demonstrating its impact on protein function have been reported. ClinVar contains two entries for this variant (Variation IDs: 1511485, 686259). Based on the evidence outlined above, the variant was classified as uncertain significance.